The following is an entry in ClinVar:

ClinVar aggregate classification (germline): Uncertain significance. Review status: criteria provided, multiple submitters, no conflicts (2 of 4 stars). 3 submissions from 3 submitters: Uncertain significance (3). Last evaluated 2025-09-26.

Conditions:
Inborn genetic diseases. Identifiers: MedGen C0950123, MeSH D030342.
Bethlem myopathy 1A. Also called: MYOPATHY, BENIGN CONGENITAL, WITH CONTRACTURES; Bethlem Muscular Dystrophy; Bethlem myopathy 1. Identifiers: Orphanet 610, MedGen CN029274, MONDO:0024530, OMIM 158810.

Allele frequency attached by ClinVar (database versions not stated): gnomAD exomes 0.00001.
gnomAD v4.1: 9 of 1,614,086 alleles (0.00056%); highest among the groups gnomAD compares: Middle Eastern, 0.033%; no homozygotes.

Submissions (3):

Ambry Genetics
Classification: Uncertain significance for Inborn genetic diseases. Last evaluated: 2025-09-26. Review status: criteria provided, single submitter. Criteria: Ambry Variant Classification Scheme 2023. Collection method: clinical testing. Allele origin: germline.

Revvity Omics, Revvity
Classification: Uncertain significance. Last evaluated: 2024-02-07. Review status: criteria provided, single submitter. Criteria: ACMG Guidelines, 2015. Collection method: clinical testing. Allele origin: germline.

Labcorp Genetics (formerly Invitae), Labcorp
Classification: Uncertain significance for Bethlem myopathy 1A. Last evaluated: 2022-06-20. Review status: criteria provided, single submitter. Criteria: Invitae Variant Classification Sherloc (09022015). Collection method: clinical testing. Allele origin: germline.
Comment: This sequence change replaces glutamine, which is neutral and polar, with histidine, which is basic and polar, at codon 1361 of the COL6A3 protein (p.Gln1361His). This variant is not present in population databases (gnomAD no frequency). This variant has not been reported in the literature in individuals affected with COL6A3-related conditions. Advanced modeling of protein sequence and biophysical properties (such as structural, functional, and spatial information, amino acid conservation, physicochemical variation, residue mobility, and thermodynamic stability) performed at Invitae indicates that this missense variant is not expected to disrupt COL6A3 protein function. In summary, the available evidence is currently insufficient to determine the role of this variant in disease. Therefore, it has been classified as a Variant of Uncertain Significance.

NM_004369.4(COL6A3):c.4083G>T (p.Gln1361His)

Gene: COL6A3 (collagen type VI alpha 3 chain; minus strand). Cytogenetic location: 2q37.3.
Variant type: single nucleotide variant.
Coding change: c.4083G>T on transcript NM_004369.4 (MANE Select); coding-DNA position 4083, G replaced by T.
Protein change: p.Gln1361His; replaces glutamine 1361 with histidine.
Molecular consequence: missense variant.
Genome position (GRCh38, 1-based): chr2:237,371,934, C>A on the plus strand (G>T on the coding strand, the complement: COL6A3 is on the minus strand). VCF-style: chr2-237371934-C-A. GRCh37 (hg19) VCF-style: chr2-238280577-C-A.
Other names: c.4083G>T (NM_004369.3); c.2862G>T, p.Gln954His (NM_057164.5); c.3465G>T, p.Gln1155His (NM_057165.5, NM_057167.4); c.2262G>T, p.Gln754His (NM_057166.5); short protein forms Q1155H, Q954H, Q754H, Q1361H.
Identifiers: ClinVar variation 1431415 (VCV001431415.8), dbSNP rs2106357056, ClinGen allele CA351197086.